The following is an entry in ClinVar:

NM_015340.4(LARS2):c.59A>G (p.Asn20Ser)

Gene: LARS2 (leucyl-tRNA synthetase 2, mitochondrial; plus strand). Cytogenetic location: 3p21.31.
Variant type: single nucleotide variant.
Coding change: c.59A>G on transcript NM_015340.4 (MANE Select); coding-DNA position 59, A replaced by G.
Protein change: p.Asn20Ser; replaces asparagine 20 with serine.
Molecular consequence: missense variant.
Genome position (GRCh38, 1-based): chr3:45,394,512, A>G. VCF-style: chr3-45394512-A-G. GRCh37 (hg19) VCF-style: chr3-45436004-A-G.
Other names: c.59A>G, p.Asn20Ser (NM_001368263.1); short protein forms N20S.
Identifiers: ClinVar variation 2843594 (VCV002843594.3), dbSNP rs1308542565, ClinGen allele CA352974040.
Genomic context (GRCh38, chr3:45,394,512, plus strand): 5'-GAATGGCTTCTGTTTGGCAGAGATTGGGTTTTTATGCCTCTCTTCTGAAAAGACAGCTAA[A>G]TGGTGGGCCAGATGTCATCAAGTGGGAAAGGAGAGTAATTCCCGGATGTACCAGAAGCAT-3'
Protein context (NP_056155.1, residues 10-30): FYASLLKRQL[Asn20Ser]GGPDVIKWER

ClinVar aggregate classification (germline): Uncertain significance (1 of 4 stars; one submission).

Allele frequency attached by ClinVar (database versions not stated): gnomAD exomes below 0.00001; TOPMed below 0.00001.
gnomAD v4.1: 1 of 1,614,176 alleles (0.000062%); highest among the groups gnomAD compares: African/African-American, 0.0013%; no homozygotes.

Submission:

Labcorp Genetics (formerly Invitae), Labcorp
Classification: Uncertain significance. Last evaluated: 2023-09-06. Review status: criteria provided, single submitter. Criteria: Invitae Variant Classification Sherloc (09022015). Collection method: clinical testing. Allele origin: germline.
Comment: This sequence change replaces asparagine, which is neutral and polar, with serine, which is neutral and polar, at codon 20 of the LARS2 protein (p.Asn20Ser). In summary, the available evidence is currently insufficient to determine the role of this variant in disease. Therefore, it has been classified as a Variant of Uncertain Significance. Algorithms developed to predict the effect of missense changes on protein structure and function output the following: SIFT: "Not Available"; PolyPhen-2: "Benign"; Align-GVGD: "Not Available". The serine amino acid residue is found in multiple mammalian species, which suggests that this missense change does not adversely affect protein function. This variant has not been reported in the literature in individuals affected with LARS2-related conditions. This variant is not present in population databases (gnomAD no frequency).